The following is an entry in ClinVar:

ClinVar aggregate classification (germline): Benign. Review status: criteria provided, multiple submitters, no conflicts (2 of 4 stars). 3 submissions from 3 submitters: Benign (3). Last evaluated 2025-10-02.

Conditions:
Familial benign pemphigus (HHD). Identifiers: Orphanet 2841, MedGen C0085106, MONDO:0008218, OMIM 169600.

Allele frequency attached by ClinVar (database versions not stated): gnomAD exomes 0.00032 and 0.00089; ExAC 0.00114; gnomAD 0.00351 and 0.00372; 1000 Genomes Project 0.00379; TOPMed 0.00382; 1000 Genomes Project 30x 0.00453; ESP Exome Variant Server 0.00461.
gnomAD v4.1: 1,032 of 1,613,626 alleles (0.064%); highest among the groups gnomAD compares: African/African-American, 1.2%; 1 homozygote.

Submissions (3):

Labcorp Genetics (formerly Invitae), Labcorp
Classification: Benign. Last evaluated: 2025-10-02. Review status: criteria provided, single submitter. Criteria: Invitae Variant Classification Sherloc (09022015). Collection method: clinical testing. Allele origin: germline.

Illumina Laboratory Services, Illumina
Classification: Benign for Familial benign pemphigus. Last evaluated: 2018-01-13. Review status: criteria provided, single submitter. Criteria: ICSL Variant Classification Criteria 13 December 2019. Collection method: clinical testing. Allele origin: germline.
Comment: This variant was observed in the ICSL laboratory as part of a predisposition screen in an ostensibly healthy population. It had not been previously curated by ICSL or reported in the Human Gene Mutation Database (HGMD: prior to June 1st, 2018), and was therefore a candidate for classification through an automated scoring system. Utilizing variant allele frequency, disease prevalence and penetrance estimates, and inheritance mode, an automated score was calculated to assess if this variant is too frequent to cause the disease. Based on the score and internal cut-off values, a variant classified as benign is not then subjected to further curation. The score for this variant resulted in a classification of benign for this disease.

Breakthrough Genomics
Classification: Benign. Review status: criteria provided, single submitter. Criteria: ACMG Guidelines, 2015. Collection method: not provided. Allele origin: germline. Inheritance: Autosomal dominant inheritance. Affected: yes.

NM_001378687.1(ATP2C1):c.1683C>T (p.Ala561=)

Gene: ATP2C1 (ATPase secretory pathway Ca2+ transporting 1; plus strand). Cytogenetic location: 3q22.1.
Variant type: single nucleotide variant.
Coding change: c.1683C>T on transcript NM_001378687.1 (MANE Select); coding-DNA position 1683, C replaced by T.
Protein change: p.Ala561=; no amino-acid change (alanine 561 retained).
Molecular consequence: synonymous variant.
Genome position (GRCh38, 1-based): chr3:130,979,361, C>T. VCF-style: chr3-130979361-C-T. GRCh37 (hg19) VCF-style: chr3-130698205-C-T.
Other names: c.1683C>T, p.Ala561= (NM_001001485.3, NM_001001486.2, NM_001001487.2 and 5 more transcripts); c.1785C>T, p.Ala595= (NM_001199180.2, NM_001199181.3, NM_001378511.1); c.1668C>T, p.Ala556= (NM_001199182.2); c.1635C>T, p.Ala545= (NM_001199183.2, NM_001199184.3, NM_001378514.1).
Identifiers: ClinVar variation 343328 (VCV000343328.13), dbSNP rs114319700, ClinGen allele CA2615182.